The following is an entry in ClinVar:

ClinVar aggregate classification (germline): Uncertain significance (1 of 4 stars; one submission).

Conditions:
Cardiovascular phenotype. Identifiers: MedGen CN230736.

Allele frequency attached by ClinVar (database versions not stated): gnomAD exomes below 0.00001; ExAC 0.00001.
gnomAD v4.1: 1 of 1,608,682 alleles (0.000062%); highest among the groups gnomAD compares: Non-Finnish European, 0.000085%; no homozygotes.

Submission:

Ambry Genetics
Classification: Uncertain significance for Cardiovascular phenotype. Last evaluated: 2023-12-10. Review status: criteria provided, single submitter. Criteria: Ambry Variant Classification Scheme 2023. Collection method: clinical testing. Allele origin: germline.
Comment: The p.N119S variant (also known as c.356A>G), located in coding exon 4 of the AKAP9 gene, results from an A to G substitution at nucleotide position 356. The asparagine at codon 119 is replaced by serine, an amino acid with highly similar properties. This amino acid position is conserved. In addition, this alteration is predicted to be tolerated by in silico analysis. Since supporting evidence is limited at this time, the clinical significance of this alteration remains unclear.

NM_005751.5(AKAP9):c.356A>G (p.Asn119Ser)

Gene: AKAP9 (A-kinase anchoring protein 9; plus strand). Cytogenetic location: 7q21.2.
Variant type: single nucleotide variant.
Coding change: c.356A>G on transcript NM_005751.5 (MANE Select); coding-DNA position 356, A replaced by G.
Protein change: p.Asn119Ser; replaces asparagine 119 with serine.
Molecular consequence: missense variant.
Genome position (GRCh38, 1-based): chr7:91,992,162, A>G. VCF-style: chr7-91992162-A-G. GRCh37 (hg19) VCF-style: chr7-91621476-A-G.
Other names: c.356A>G, p.Asn119Ser (NM_147185.3); short protein forms N119S.
Identifiers: ClinVar variation 3225045 (VCV003225045.1), dbSNP rs764576466, ClinGen allele CA4335789.